The following is an entry in ClinVar:

NM_002609.4(PDGFRB):c.1273A>T (p.Ser425Cys)

Gene: PDGFRB (platelet derived growth factor receptor beta; minus strand). Cytogenetic location: 5q32.
Variant type: single nucleotide variant.
Coding change: c.1273A>T on transcript NM_002609.4 (MANE Select); coding-DNA position 1273, A replaced by T.
Protein change: p.Ser425Cys; replaces serine 425 with cysteine.
Molecular consequence: missense variant.
Genome position (GRCh38, 1-based): chr5:150,130,633, T>A on the plus strand (A>T on the coding strand, the complement: PDGFRB is on the minus strand). VCF-style: chr5-150130633-T-A. GRCh37 (hg19) VCF-style: chr5-149510196-T-A.
Other names: c.1081A>T, p.Ser361Cys (NM_001355016.2); c.790A>T, p.Ser264Cys (NM_001355017.2); short protein forms S264C, S361C, S425C.
Identifiers: ClinVar variation 4790863 (VCV004790863.1).

ClinVar aggregate classification (germline): Uncertain significance (1 of 4 stars; one submission).

Conditions:
Skeletal overgrowth-craniofacial dysmorphism-hyperelastic skin-white matter lesions syndrome. Also called: SKELETAL OVERGROWTH WITH FACIAL DYSMORPHISM, HYPERELASTIC SKIN, WHITE MATTER LESIONS, AND NEUROLOGIC DETERIORATION; Kosaki overgrowth syndrome. Identifiers: Orphanet 477831, MedGen C4225270, MONDO:0014704, OMIM 616592.
Acroosteolysis-keloid-like lesions-premature aging syndrome. Also called: Premature aging syndrome, Penttinen type; Prematurely aged appearance, delayed bone maturation, acro-osteolysis, and brachydactyly; Progeroid syndrome, Penttinen type. Identifiers: Orphanet 363665, MedGen C1866182, MONDO:0011150, OMIM 601812.
Infantile myofibromatosis (IMF). Also called: Congenital generalized fibromatosis. Identifiers: Orphanet 2591, MedGen C0432284, MONDO:0016824.
Basal ganglia calcification, idiopathic, 4 (PFBC4). Also called: Familial Idiopathic Basal Ganglia Calcification 4; PRIMARY FAMILIAL BRAIN CALCIFICATION 4, AUTOSOMAL DOMINANT. Identifiers: Orphanet 1980, MedGen C3554321, MONDO:0014004, OMIM 615007.

gnomAD v4.1: 1 of 1,613,002 alleles (0.000062%); highest among the groups gnomAD compares: South Asian, 0.0011%; no homozygotes.

Submission:

Labcorp Genetics (formerly Invitae), Labcorp
Classification: Uncertain significance for Basal ganglia calcification, idiopathic, 4; Skeletal overgrowth-craniofacial dysmorphism-hyperelastic skin-white matter lesions syndrome; Infantile myofibromatosis; Acroosteolysis-keloid-like lesions-premature aging syndrome. Last evaluated: 2025-12-03. Review status: criteria provided, single submitter. Criteria: Invitae Variant Classification Sherloc (09022015). Collection method: clinical testing. Allele origin: germline.
Comment: This sequence change replaces serine, which is neutral and polar, with cysteine, which is neutral and slightly polar, at codon 425 of the PDGFRB protein (p.Ser425Cys). This variant is not present in population databases (gnomAD no frequency). This variant has not been reported in the literature in individuals affected with PDGFRB-related conditions. Invitae Evidence Modeling of protein sequence and biophysical properties (such as structural, functional, and spatial information, amino acid conservation, physicochemical variation, residue mobility, and thermodynamic stability) indicates that this missense variant is not expected to disrupt PDGFRB protein function with a negative predictive value of 80%. In summary, the available evidence is currently insufficient to determine the role of this variant in disease. Therefore, it has been classified as a Variant of Uncertain Significance.